The following is an entry in ClinVar:

NM_000045.4(ARG1):c.314_345delinsATGCAAGCATCAGGATGACT (p.Ile105_His115delinsAsnAlaSerIleArgMetThr)

Genes: ARG1 (arginase 1; plus strand), MED23 (mediator complex subunit 23; minus strand). Cytogenetic location: 6q23.2.
Variant type: Indel.
Coding change: c.314_345delinsATGCAAGCATCAGGATGACT on transcript NM_000045.4 (MANE Select); coding-DNA positions 314 to 345, the reference bases replaced by ATGCAAGCATCAGGATGACT.
Protein change: p.Ile105_His115delinsAsnAlaSerIleArgMetThr.
Molecular consequence: inframe indel. On other transcripts: non-coding transcript variant (1), intron variant (3).
Genome position (GRCh38, 1-based): chr6:131,581,227-131,581,258, 32 bases replaced. GRCh37 (hg19): chr6:131,902,367-131,902,398.
Other names: c.314_345delinsATGCAAGCATCAGGATGACT (NM_000045.2); c.338_369delinsATGCAAGCATCAGGATGACT, p.Ile113_His123delinsAsnAlaSerIleArgMetThr (NM_001244438.2); c.306-1833_306-1802delinsATGCAAGCATCAGGATGACT (NM_001369020.1); c.4077+6451_4077+6482delinsAGTCATCCTGATGCTTGCAT (NM_001270521.2); c.4095+6451_4095+6482delinsAGTCATCCTGATGCTTGCAT (NM_015979.4).
Identifiers: ClinVar variation 1723397 (VCV001723397.4), dbSNP rs2482368300, ClinGen allele CA2580075112.
Genomic context (GRCh38, chr6:131,581,227, plus strand): 5'-TATGTAGTGACACTGCAAACCTGATGTTCACACAAAATTTTTTCCCCAAAAGTTTGGCAA[TTGGAAGCATCTCTGGCCATGCCAGGGTCCAC>ATGCAAGCATCAGGATGACT]CCTGATCTTGGAGTCATCTGGGTGGATGCTCACACTGATATCAACACTCCACTGACAACC-3'

ClinVar aggregate classification (germline): Conflicting classifications of pathogenicity. Review status: criteria provided, conflicting classifications (1 of 4 stars). 3 submissions from 3 submitters: Likely pathogenic (2); Uncertain significance (1). Last evaluated 2025-03-01.

Conditions:
Arginase deficiency. Also called: Arginase 1 Deficiency; ARGININEMIA; ARG1 DEFICIENCY. Identifiers: Orphanet 90, MedGen C0268548, MONDO:0008814, OMIM 207800.

Submissions (3):

GeneDx
Classification: Likely pathogenic. Last evaluated: 2025-03-01. Review status: criteria provided, single submitter. Criteria: GeneDx Variant Classification Process June 2021. Collection method: clinical testing. Allele origin: germline.
Comment: Not observed at significant frequency in large population cohorts (gnomAD); In-frame deletion of 11 amino acids and insertion of 7 different amino acids in a non-repeat region; In silico analysis supports a deleterious effect on protein structure/function; Has not been previously published as pathogenic or benign to our knowledge

Women's Health and Genetics/Laboratory Corporation of America, LabCorp
Classification: Uncertain significance. Last evaluated: 2022-10-28. Review status: criteria provided, single submitter. Criteria: LabCorp Variant Classification Summary - May 2015. Collection method: clinical testing. Allele origin: germline.
Comment: Variant summary: ARG1 c.314_345delins20 (p.Ile105_His115delinsAsnAlaSerIleArgMetThr) results in an in-frame deletion-insertion that is predicted to replace 11 amino acids in the native protein sequence with 7 different amino acids. The variant was absent in 250716 control chromosomes (gnomAD). To our knowledge, no occurrence of c.314_345delins20 in individuals affected with Arginase Deficiency and no experimental evidence demonstrating its impact on protein function have been reported. No clinical diagnostic laboratories have submitted clinical-significance assessments for this variant to ClinVar after 2014. Based on the evidence outlined above, the variant was classified as uncertain significance.

Baylor Genetics
Classification: Likely pathogenic for Arginase deficiency. Last evaluated: 2021-12-07. Review status: criteria provided, single submitter. Criteria: ACMG Guidelines, 2015. Collection method: clinical testing. Allele origin: unknown.